The following is an entry in ClinVar:

ClinVar aggregate classification (germline): Uncertain significance. Review status: criteria provided, multiple submitters, no conflicts (2 of 4 stars). 3 submissions from 3 submitters: Uncertain significance (3). Last evaluated 2026-05-23.

Conditions:
Lynch syndrome 4 (LYNCH4). Also called: Hereditary non-polyposis colorectal cancer, type 4; Colorectal cancer, hereditary nonpolyposis, type 4. Identifiers: Orphanet 144, MedGen C1838333, MONDO:0013699, OMIM 614337. Disease mechanism: loss of function.
Hereditary cancer-predisposing syndrome. Also called: Neoplastic Syndromes, Hereditary; Tumor predisposition; Hereditary Cancer Syndrome; Hereditary neoplastic syndrome. Identifiers: Orphanet 140162, MedGen C0027672, MeSH D009386, MONDO:0015356.
Hereditary nonpolyposis colorectal neoplasms. Identifiers: MedGen C0009405, MeSH D003123.

Submissions (3):

Ambry Genetics
Classification: Uncertain significance for Hereditary cancer-predisposing syndrome. Last evaluated: 2026-05-23. Review status: criteria provided, single submitter. Criteria: Ambry Variant Classification Scheme 2023. Collection method: clinical testing. Allele origin: germline.
Comment: The p.G846E variant (also known as c.2537G>A), located in coding exon 15 of the PMS2 gene, results from a G to A substitution at nucleotide position 2537. The glycine at codon 846 is replaced by glutamic acid, an amino acid with similar properties. This amino acid position is conserved. In addition, this alteration is predicted to be deleterious by in silico analysis. Based on the available evidence, the clinical significance of this variant remains unclear.

Helix
Classification: Uncertain significance for Lynch syndrome 4. Last evaluated: 2026-01-29. Review status: criteria provided, single submitter. Criteria: ACMG Guidelines, 2015. Collection method: clinical testing. Allele origin: germline. Inheritance: Autosomal dominant inheritance.
Comment: This variant (NM_000535.7:c.2537G>A p.Gly846Glu) results in the substitution of glycine with glutamic acid at codon 846 in the PMS2 protein. It is a rare variant that is absent from the large gnomAD population database (v4.1). To our knowledge, this variant has not been reported in individuals with PMS2-related conditions in the published literature. In silico prediction from the HCI Database of Prior Probabilities of Pathogenicity suggests that this variant may be deleterious. In conclusion, since the available evidence is limited, the clinical significance of this variant is unclear at this time. Therefore, it is classified as a Variant of Uncertain Significance.

Labcorp Genetics (formerly Invitae), Labcorp
Classification: Uncertain significance for Hereditary nonpolyposis colorectal neoplasms. Last evaluated: 2025-07-13. Review status: criteria provided, single submitter. Criteria: Invitae Variant Classification Sherloc (09022015). Collection method: clinical testing. Allele origin: germline.
Comment: This sequence change replaces glycine, which is neutral and non-polar, with glutamic acid, which is acidic and polar, at codon 846 of the PMS2 protein (p.Gly846Glu). The frequency data for this variant in the population databases (gnomAD) is considered unreliable due to the presence of homologous sequence, such as pseudogenes or paralogs, in the genome. This variant has not been reported in the literature in individuals affected with PMS2-related conditions. Invitae Evidence Modeling incorporating data from in vitro experimental studies (internal data) indicates that this missense variant is not expected to disrupt PMS2 function with a negative predictive value of 95%. In summary, the available evidence is currently insufficient to determine the role of this variant in disease. Therefore, it has been classified as a Variant of Uncertain Significance.

NM_000535.7(PMS2):c.2537G>A (p.Gly846Glu)

Gene: PMS2 (PMS1 homolog 2, mismatch repair system component; minus strand). Cytogenetic location: 7p22.1.
Variant type: single nucleotide variant.
Coding change: c.2537G>A on transcript NM_000535.7 (MANE Select); coding-DNA position 2537, G replaced by A.
Protein change: p.Gly846Glu; replaces glycine 846 with glutamic acid.
Molecular consequence: missense variant. On other transcripts: non-coding transcript variant (1).
Genome position (GRCh38, 1-based): chr7:5,973,451, C>T on the plus strand (G>A on the coding strand, the complement: PMS2 is on the minus strand). VCF-style: chr7-5973451-C-T. GRCh37 (hg19) VCF-style: chr7-6013082-C-T.
Other names: c.1976G>A, p.Gly659Glu (NM_001322010.2, NM_001406907.1, NM_001406906.1); c.1604G>A, p.Gly535Glu (NM_001322011.2, NM_001322012.2); c.1964G>A, p.Gly655Glu (NM_001322013.2, NM_001406908.1, NM_001406909.1); c.2570G>A, p.Gly857Glu (NM_001322014.2); c.2228G>A, p.Gly743Glu (NM_001322015.2, NM_001406880.1, NM_001406881.1 and 4 more transcripts); c.2723G>A, p.Gly908Glu (NM_001406866.1); c.2561G>A, p.Gly854Glu (NM_001406868.1); c.2429G>A, p.Gly810Glu (NM_001406869.1); and 20 more; short protein forms G445E, G535E, G589E, G607E, G655E, G659E, G675E, G684E.
Identifiers: ClinVar variation 4804625 (VCV004804625.3).